The following is an entry in ClinVar:

ClinVar aggregate classification (germline): Uncertain significance (1 of 4 stars; one submission).

Conditions:
Early-infantile DEE. Also called: Early infantile epileptic encephalopathy; Ohtahara syndrome; Early infantile epileptic encephalopathy with suppression bursts. Identifiers: Orphanet 1934, MedGen C0393706, MONDO:0800491.

Submission:

Labcorp Genetics (formerly Invitae), Labcorp
Classification: Uncertain significance for Early-infantile DEE. Last evaluated: 2024-09-17. Review status: criteria provided, single submitter. Criteria: Invitae Variant Classification Sherloc (09022015). Collection method: clinical testing. Allele origin: germline.
Comment: This sequence change replaces glutamic acid, which is acidic and polar, with alanine, which is neutral and non-polar, at codon 936 of the SCN8A protein (p.Glu936Ala). This variant is not present in population databases (gnomAD no frequency). This variant has not been reported in the literature in individuals affected with SCN8A-related conditions. Invitae Evidence Modeling of protein sequence and biophysical properties (such as structural, functional, and spatial information, amino acid conservation, physicochemical variation, residue mobility, and thermodynamic stability) indicates that this missense variant is expected to disrupt SCN8A protein function with a positive predictive value of 95%. In summary, the available evidence is currently insufficient to determine the role of this variant in disease. Therefore, it has been classified as a Variant of Uncertain Significance.

NM_001330260.2(SCN8A):c.2807A>C (p.Glu936Ala)

Gene: SCN8A (sodium voltage-gated channel alpha subunit 8; plus strand). Cytogenetic location: 12q13.13.
Variant type: single nucleotide variant.
Coding change: c.2807A>C on transcript NM_001330260.2 (MANE Select); coding-DNA position 2807, A replaced by C.
Protein change: p.Glu936Ala; replaces glutamic acid 936 with alanine.
Molecular consequence: missense variant.
Genome position (GRCh38, 1-based): chr12:51,765,933, A>C. VCF-style: chr12-51765933-A-C. GRCh37 (hg19) VCF-style: chr12-52159717-A-C.
Other names: c.2807A>C, p.Glu936Ala (NM_001177984.3, NM_001369788.1, NM_014191.4); short protein forms E936A.
Identifiers: ClinVar variation 3635191 (VCV003635191.2).